The following is an entry in ClinVar:

ClinVar aggregate classification (germline): Pathogenic (1 of 4 stars; one submission).

Submission:

Labcorp Genetics (formerly Invitae), Labcorp
Classification: Pathogenic. Last evaluated: 2022-09-19. Review status: criteria provided, single submitter. Criteria: Invitae Variant Classification Sherloc (09022015). Collection method: clinical testing. Allele origin: germline.
Comment: A gross deletion of the genomic region encompassing the full coding sequence of the RAX2 gene has been identified. Loss-of-function variants in RAX2 are known to be pathogenic (PMID: 30377383). The boundaries of this event are unknown as they extend beyond the assayed region for this gene and therefore may encompass additional genes. A similar copy number variant has been observed in individual(s) with autosomal recessive inherited retinal disease (PMID: 30377383). It has also been observed to segregate with disease in related individuals. For these reasons, this variant has been classified as Pathogenic.

Literature cited by the submitters: PubMed 30377383.

NC_000019.9:g.(?_3762699)_(3808981_?)del

Genes: MRPL54 (mitochondrial ribosomal protein L54; plus strand), MATK (megakaryocyte-associated tyrosine kinase; minus strand), RAX2 (retina and anterior neural fold homeobox 2; minus strand), ZFR2 (zinc finger RNA binding protein 2; minus strand). Cytogenetic location: 19p13.3.
Variant type: Deletion.
Identifiers: ClinVar variation 1037962 (VCV001037962.7).